The following is an entry in ClinVar:

ClinVar aggregate classification (germline): Conflicting classifications of pathogenicity. Review status: criteria provided, conflicting classifications (1 of 4 stars). 3 submissions from 3 submitters: Pathogenic (2); Uncertain significance (1). Last evaluated 2024-03-01.

Conditions:
Autosomal dominant centronuclear myopathy. Also called: Myopathy, centronuclear, 3; MYOTUBULAR MYOPATHY, AUTOSOMAL DOMINANT. Identifiers: Orphanet 169189, MedGen C4551952, MeSH D020914, MONDO:0008048, OMIM 160150.
Centronuclear myopathy (CNM). Also called: Centronuclear myopathy, congenital; Myotubular myopathy. Identifiers: Orphanet 595, MedGen C0175709, MONDO:0018947. Inheritance: All.
Charcot-Marie-Tooth disease dominant intermediate B (CMTDIB). Also called: Charcot-Marie-Tooth disease dominant intermediate 1; CMT DI1; Charcot-Marie-Tooth disease dominant intermediate I; CHARCOT-MARIE-TOOTH NEUROPATHY, DOMINANT INTERMEDIATE B. Identifiers: Orphanet 100044, Orphanet 228179, MedGen C1847902, MONDO:0011674, OMIM 606482.

Submissions (3):

Muscle and Diseases Team, Institut de Génétique et Biologie Moléculaire et Cellulaire
Classification: Pathogenic for Centronuclear myopathy. Last evaluated: 2024-03-01. Review status: criteria provided, single submitter. Criteria: ACMG Guidelines, 2015. Collection method: research. Allele origin: de novo. Affected: yes. Observed: 1 variant allele.
Comment: PS2+PM1+PM2+PP2+PP3

Labcorp Genetics (formerly Invitae), Labcorp
Classification: Pathogenic for Charcot-Marie-Tooth disease dominant intermediate B. Last evaluated: 2023-06-21. Review status: criteria provided, single submitter. Criteria: Invitae Variant Classification Sherloc (09022015). Collection method: clinical testing. Allele origin: germline.
Comment: Experimental studies have shown that this missense change affects DNM2 function (PMID: 26503427). For these reasons, this variant has been classified as Pathogenic. This sequence change replaces glutamic acid, which is acidic and polar, with lysine, which is basic and polar, at codon 604 of the DNM2 protein (p.Glu604Lys). This variant is not present in population databases (gnomAD no frequency). This missense change has been observed in individual(s) with clinical features of congenital myopathy (Invitae). In at least one individual the variant was observed to be de novo. ClinVar contains an entry for this variant (Variation ID: 694734). Advanced modeling of protein sequence and biophysical properties (such as structural, functional, and spatial information, amino acid conservation, physicochemical variation, residue mobility, and thermodynamic stability) has been performed at Invitae for this missense variant, however the output from this modeling did not meet the statistical confidence thresholds required to predict the impact of this variant on DNM2 protein function.

Diagnostics Services (NGS), CSIR - Centre For Cellular And Molecular Biology
Classification: Uncertain significance for Autosomal dominant centronuclear myopathy. Last evaluated: 2019-11-08. Review status: criteria provided, single submitter. Criteria: ACMG Guidelines, 2015. Collection method: clinical testing. Allele origin: unknown. Inheritance: Autosomal dominant inheritance. Affected: yes. Observed: 1 heterozygote.
Comment: The Glu600Lys variant is not present in publicly available databases like 1000 Genomes, Exome Variant Server (EVS), Exome Aggregation Consortium (ExAC), Genome Aggregation Database (gnomAD) and dbSNP. The variant is not present in our in-house exome database. The variant was also not reported to OMIM, ClinVar and Human Genome Mutation Database (HGMD) in any other affected individuals. It is present in the domain of the protein where mutations were reported earlier to cause neonatal centronuclear myopathy (Bitoun et al. Ann Neurol 2007). In-silico pathogenicity prediction programs like Mutation Taster2, CADD, InterVar etc. predicted this variant as likely disease causing.

Literature cited by the submitters: DOI 10.1186/s13073-024-01353-0 (cited by Muscle and Diseases Team, Institut de Génétique et Biologie Moléculaire et Cellulaire); PubMed 26503427 (cited by Labcorp Genetics (formerly Invitae), Labcorp).

NM_001005361.3(DNM2):c.1810G>A (p.Glu604Lys)

Gene: DNM2 (dynamin 2; plus strand). Cytogenetic location: 19p13.2.
Variant type: single nucleotide variant.
Coding change: c.1810G>A on transcript NM_001005361.3 (MANE Select); coding-DNA position 1810, G replaced by A.
Protein change: p.Glu604Lys; replaces glutamic acid 604 with lysine.
Molecular consequence: missense variant.
Genome position (GRCh38, 1-based): chr19:10,823,816, G>A. VCF-style: chr19-10823816-G-A. GRCh37 (hg19) VCF-style: chr19-10934492-G-A.
Other names: c.1810G>A, p.Glu604Lys (NM_001005360.3, NM_001190716.2); c.1798G>A, p.Glu600Lys (NM_001005362.3, NM_004945.4); short protein forms E600K, E604K.
Identifiers: ClinVar variation 694734 (VCV000694734.9), dbSNP rs951875086, ClinGen allele CA305266026.